The following is an entry in ClinVar:

NM_017841.4(SDHAF2):c.339T>G (p.Ser113Arg)

Gene: SDHAF2 (succinate dehydrogenase complex assembly factor 2; plus strand). Cytogenetic location: 11q12.2.
Variant type: single nucleotide variant.
Coding change: c.339T>G on transcript NM_017841.4 (MANE Select); coding-DNA position 339, T replaced by G.
Protein change: p.Ser113Arg; replaces serine 113 with arginine.
Molecular consequence: missense variant.
Genome position (GRCh38, 1-based): chr11:61,438,082, T>G. VCF-style: chr11-61438082-T-G. GRCh37 (hg19) VCF-style: chr11-61205554-T-G.
Other names: short protein forms S113R.
Identifiers: ClinVar variation 4864245 (VCV004864245.1).

ClinVar aggregate classification (germline): Uncertain significance (1 of 4 stars; one submission).

Conditions:
Hereditary cancer-predisposing syndrome. Also called: Neoplastic Syndromes, Hereditary; Tumor predisposition; Hereditary Cancer Syndrome; Hereditary neoplastic syndrome. Identifiers: Orphanet 140162, MedGen C0027672, MeSH D009386, MONDO:0015356.

Submission:

Ambry Genetics
Classification: Uncertain significance for Hereditary cancer-predisposing syndrome. Last evaluated: 2026-05-24. Review status: criteria provided, single submitter. Criteria: Ambry Variant Classification Scheme 2023. Collection method: clinical testing. Allele origin: germline.
Comment: The p.S113R variant (also known as c.339T>G), located in coding exon 3 of the SDHAF2 gene, results from a T to G substitution at nucleotide position 339. The serine at codon 113 is replaced by arginine, an amino acid with dissimilar properties. This amino acid position is conserved. In addition, this alteration is predicted to be deleterious by in silico analysis. Based on the available evidence, the clinical significance of this variant remains unclear.